The following is an entry in ClinVar:

ClinVar aggregate classification (germline): Conflicting classifications of pathogenicity. Review status: criteria provided, conflicting classifications (1 of 4 stars). 3 submissions from 3 submitters: Uncertain significance (1); Benign (1); Likely benign (1). Last evaluated 2026-02-03.

Conditions:
Inborn genetic diseases. Identifiers: MedGen C0950123, MeSH D030342.

Allele frequency attached by ClinVar (database versions not stated): gnomAD 0.00016; TOPMed 0.00048.
gnomAD v4.1: 52 of 1,614,130 alleles (0.0032%); highest among the groups gnomAD compares: Admixed American, 0.067%; no homozygotes.

Submissions (3):

Women's Health and Genetics/Laboratory Corporation of America, LabCorp
Classification: Likely benign. Last evaluated: 2026-02-03. Review status: criteria provided, single submitter. Criteria: LabCorp Variant Classification Summary - May 2015. Collection method: clinical testing. Allele origin: germline.
Comment: Variant summary: ALPK1 c.1250A>T (p.Glu417Val) results in a non-conservative amino acid change in the encoded protein sequence. Algorithms developed to predict the effect of missense changes on protein structure and function are either unavailable or do not agree on the potential impact of this missense change. The variant allele was found at a frequency of 3.2e-05 in 1614130 control chromosomes, predominantly at a frequency of 0.00067 within the Latino subpopulation in the gnomAD database. The observed variant frequency within Latino control individuals in the gnomAD database exceeds the estimated maximal expected allele frequency for disease-causing variants in ALPK1. To our knowledge, no occurrence of c.1250A>T in individuals affected with ALPK1-related conditions and no experimental evidence demonstrating its impact on protein function have been reported. ClinVar contains an entry for this variant (Variation ID: 2060904). Based on the evidence outlined above, the variant was classified as likely benign.

Labcorp Genetics (formerly Invitae), Labcorp
Classification: Benign. Last evaluated: 2026-01-22. Review status: criteria provided, single submitter. Criteria: Invitae Variant Classification Sherloc (09022015). Collection method: clinical testing. Allele origin: germline.

Ambry Genetics
Classification: Uncertain significance for Inborn genetic diseases. Last evaluated: 2025-05-15. Review status: criteria provided, single submitter. Criteria: Ambry Variant Classification Scheme 2023. Collection method: clinical testing. Allele origin: germline.

NM_025144.4(ALPK1):c.1250A>T (p.Glu417Val)

Gene: ALPK1 (alpha kinase 1; plus strand). Cytogenetic location: 4q25.
Variant type: single nucleotide variant.
Coding change: c.1250A>T on transcript NM_025144.4 (MANE Select); coding-DNA position 1250, A replaced by T.
Protein change: p.Glu417Val; replaces glutamic acid 417 with valine.
Molecular consequence: missense variant.
Genome position (GRCh38, 1-based): chr4:112,430,797, A>T. VCF-style: chr4-112430797-A-T. GRCh37 (hg19) VCF-style: chr4-113351953-A-T.
Other names: c.1250A>T, p.Glu417Val (NM_001102406.2); c.1016A>T, p.Glu339Val (NM_001253884.2); c.1250A>T (NM_025144.3); short protein forms E339V, E417V.
Identifiers: ClinVar variation 2060904 (VCV002060904.8), dbSNP rs776832095, ClinGen allele CA103762823.
Genomic context (GRCh38, chr4:112,430,797, plus strand): 5'-GAAGTCAGGACAGAGAAGCTCTGTCTCAAGAAGTTATGTCTGTGATTGCCCAGGTGAAGG[A>T]ACATTTACAAGTTCAAAGCTTCTCAAATGTAGATGACAGATCTTATGTTCCCGAGAGTTT-3'
Protein context (NP_079420.3, residues 407-427): EVMSVIAQVK[Glu417Val]HLQVQSFSNV